The following is an entry in ClinVar:

NM_000458.4(HNF1B):c.1338A>G (p.Gln446=)

Gene: HNF1B (HNF1 homeobox B; minus strand). Cytogenetic location: 17q12.
Variant type: single nucleotide variant.
Coding change: c.1338A>G on transcript NM_000458.4 (MANE Select); coding-DNA position 1338, A replaced by G.
Protein change: p.Gln446=; no amino-acid change (glutamine 446 retained).
Molecular consequence: synonymous variant.
Genome position (GRCh38, 1-based): chr17:37,704,918, T>C on the plus strand (A>G on the coding strand, the complement: HNF1B is on the minus strand). VCF-style: chr17-37704918-T-C. GRCh37 (hg19) VCF-style: chr17-36064925-T-C.
Other names: c.1338A>G (NM_000458.2); c.1260A>G, p.Gln420= (NM_001165923.4, NM_001304286.2).
Identifiers: ClinVar variation 593888 (VCV000593888.8), dbSNP rs776536485, ClinGen allele CA8518843.

ClinVar aggregate classification (germline): Conflicting classifications of pathogenicity. Review status: criteria provided, conflicting classifications (1 of 4 stars). 3 submissions from 3 submitters: Uncertain significance (2); Likely benign (1). Last evaluated 2022-11-19.

Conditions:
Maturity-onset diabetes of the young (MODY). Also called: Maturity onset diabetes mellitus in young. Identifiers: Orphanet 552, MedGen C0342276, MONDO:0018911, HP:0004904.

Allele frequency attached by ClinVar (database versions not stated): gnomAD below 0.00001 and 0.00001; TOPMed below 0.00001; gnomAD exomes 0.00001 and 0.00003; ExAC 0.00005.
gnomAD v4.1: 22 of 1,613,988 alleles (0.0014%); highest among the groups gnomAD compares: South Asian, 0.024%; no homozygotes.

Submissions (3):

Ambry Genetics
Classification: Likely benign for Maturity-onset diabetes of the young. Last evaluated: 2022-11-19. Review status: criteria provided, single submitter. Criteria: Ambry Variant Classification Scheme 2023. Collection method: clinical testing. Allele origin: germline.

Eurofins Ntd Llc (ga)
Classification: Uncertain significance. Last evaluated: 2017-09-19. Review status: criteria provided, single submitter. Criteria: EGL Classification Definitions 2015. Collection method: clinical testing. Allele origin: germline. Observed: 1 variant allele, 1 heterozygote.

Clinical Genomics, Uppaluri K&H Personalized Medicine Clinic
Classification: Uncertain significance for Maturity-onset diabetes of the young. Review status: criteria provided, single submitter. Criteria: K & H Uppaluri Personalized Medicine Clinic Variant Classification & Assertion Criteria_Updated V.1. Collection method: research. Allele origin: unknown. Inheritance: Autosomal dominant inheritance.
Comment: HNF1B gene mutations are associated with early onset diabetes and pancreatic atrophy. It is also associated with multiple renal manifestations including renal cysts, Tubulointerstitial disease, glomerulocystic disease, renal hypoplasia, hypomagnesemia. However no sufficient evidence is found to ascertain the role of this particular variant rs776536485, yet.

Literature cited by the submitters: PubMed 24897035 (cited by Clinical Genomics, Uppaluri K&H Personalized Medicine Clinic); PubMed 25536396 (cited by Clinical Genomics, Uppaluri K&H Personalized Medicine Clinic); PubMed 27615128 (cited by Clinical Genomics, Uppaluri K&H Personalized Medicine Clinic); PubMed 28215227 (cited by Clinical Genomics, Uppaluri K&H Personalized Medicine Clinic); PubMed 33434175 (cited by Clinical Genomics, Uppaluri K&H Personalized Medicine Clinic); PubMed 25741167 (cited by Clinical Genomics, Uppaluri K&H Personalized Medicine Clinic); PubMed 26340261 (cited by Clinical Genomics, Uppaluri K&H Personalized Medicine Clinic); PubMed 19639018 (cited by Clinical Genomics, Uppaluri K&H Personalized Medicine Clinic).